The following is an entry in ClinVar:

ClinVar aggregate classification (germline): Likely benign (1 of 4 stars; one submission).

Submission:

CeGaT Center for Human Genetics Tuebingen
Classification: Likely benign. Last evaluated: 2025-08-01. Review status: criteria provided, single submitter. Criteria: CeGaT Center For Human Genetics Tuebingen Variant Classification Criteria Version 2. Collection method: clinical testing. Allele origin: germline. Affected: yes. Observed: 1 variant allele.
Comment: WT1: PM2:Supporting, BP4, BP7

NM_024426.6(WT1):c.657T>C (p.Asn219=)

Genes: WT1 (WT1 transcription factor; minus strand), LOC107982234 (WT1/WT1-AS bi-directional promoter region; plus strand). Cytogenetic location: 11p13.
Variant type: single nucleotide variant.
Coding change: c.657T>C on transcript NM_024426.6 (MANE Select); coding-DNA position 657, T replaced by C.
Protein change: p.Asn219=; no amino-acid change (asparagine 219 retained).
Molecular consequence: synonymous variant. On other transcripts: non-coding transcript variant (2).
Genome position (GRCh38, 1-based): chr11:32,434,704, A>G on the plus strand (T>C on the coding strand, the complement: WT1 is on the minus strand). VCF-style: chr11-32434704-A-G. GRCh37 (hg19) VCF-style: chr11-32456250-A-G.
Other names: c.657T>C, p.Asn219= (NM_000378.6, NM_001407044.1, NM_001407045.1 and 6 more transcripts); c.438T>C, p.Asn146= (NM_001429031.1, NM_001429032.1, NM_001429033.1 and 1 more transcripts).
Identifiers: ClinVar variation 4084232 (VCV004084232.8).